The following is an entry in ClinVar:

ClinVar aggregate classification (germline): Uncertain significance. Review status: criteria provided, multiple submitters, no conflicts (2 of 4 stars). 2 submissions from 2 submitters: Uncertain significance (2). Last evaluated 2025-05-04.

Conditions:
Neurofibromatosis, type 1 (NF1). Also called: NEUROFIBROMATOSIS, TYPE I, SOMATIC; Peripheral type neurofibromatosis; Neurofibromatosis, type I; VON RECKLINGHAUSEN DISEASE. Identifiers: Orphanet 636, MedGen C0027831, MONDO:0018975, OMIM 162200. Disease mechanism: loss of function.

Submissions (2):

Labcorp Genetics (formerly Invitae), Labcorp
Classification: Uncertain significance for Neurofibromatosis, type 1. Last evaluated: 2025-05-04. Review status: criteria provided, single submitter. Criteria: Invitae Variant Classification Sherloc (09022015). Collection method: clinical testing. Allele origin: germline.
Comment: This sequence change replaces alanine, which is neutral and non-polar, with threonine, which is neutral and polar, at codon 1519 of the NF1 protein (p.Ala1519Thr). This variant is not present in population databases (gnomAD no frequency). This variant has not been reported in the literature in individuals affected with NF1-related conditions. ClinVar contains an entry for this variant (Variation ID: 1320463). Invitae Evidence Modeling of protein sequence and biophysical properties (such as structural, functional, and spatial information, amino acid conservation, physicochemical variation, residue mobility, and thermodynamic stability) indicates that this missense variant is expected to disrupt NF1 protein function with a positive predictive value of 95%. This variant disrupts the p.Ala1519 amino acid residue in NF1. Other variant(s) that disrupt this residue have been determined to be pathogenic (internal data). This suggests that this residue is clinically significant, and that variants that disrupt this residue are likely to be disease-causing. In summary, the available evidence is currently insufficient to determine the role of this variant in disease. Therefore, it has been classified as a Variant of Uncertain Significance.

GeneDx
Classification: Uncertain significance. Last evaluated: 2021-01-12. Review status: criteria provided, single submitter. Criteria: GeneDx Variant Classification Process June 2021. Collection method: clinical testing. Allele origin: germline. Affected: yes.
Comment: Not observed in large population cohorts (Lek et al., 2016); In silico analysis supports that this missense variant has a deleterious effect on protein structure/function; Has not been previously published as pathogenic or benign to our knowledge

NM_001042492.3(NF1):c.4618G>A (p.Ala1540Thr)

Gene: NF1 (neurofibromin 1; plus strand). Cytogenetic location: 17q11.2.
Variant type: single nucleotide variant.
Coding change: c.4618G>A on transcript NM_001042492.3 (MANE Select); coding-DNA position 4618, G replaced by A.
Protein change: p.Ala1540Thr; replaces alanine 1540 with threonine.
Molecular consequence: missense variant.
Genome position (GRCh38, 1-based): chr17:31,261,751, G>A. VCF-style: chr17-31261751-G-A. GRCh37 (hg19) VCF-style: chr17-29588769-G-A.
Other names: c.4555G>A, p.Ala1519Thr (NM_000267.4); short protein forms A1519T, A1540T.
Identifiers: ClinVar variation 1320463 (VCV001320463.5), dbSNP rs2151466274, ClinGen allele CA399000238.